The following is an entry in ClinVar:

ClinVar aggregate classification (germline): Conflicting classifications of pathogenicity. Review status: criteria provided, conflicting classifications (1 of 4 stars). 2 submissions from 2 submitters: Uncertain significance (1); Likely benign (1). Last evaluated 2022-03-22.

Conditions:
Inborn genetic diseases. Identifiers: MedGen C0950123, MeSH D030342.

Allele frequency attached by ClinVar (database versions not stated): gnomAD exomes 0.00006 and 0.00014; ExAC 0.00017; TOPMed 0.00019; gnomAD 0.00023 and 0.00024.
gnomAD v4.1: 127 of 1,614,018 alleles (0.0079%); highest among the groups gnomAD compares: Admixed American, 0.067%; no homozygotes.

Submissions (2):

Labcorp Genetics (formerly Invitae), Labcorp
Classification: Uncertain significance. Last evaluated: 2022-03-22. Review status: criteria provided, single submitter. Criteria: Invitae Variant Classification Sherloc (09022015). Collection method: clinical testing. Allele origin: germline.
Comment: This variant is present in population databases (rs202213170, gnomAD 0.03%). In summary, the available evidence is currently insufficient to determine the role of this variant in disease. Therefore, it has been classified as a Variant of Uncertain Significance. Algorithms developed to predict the effect of missense changes on protein structure and function output the following: SIFT: "Tolerated"; PolyPhen-2: "Benign"; Align-GVGD: "Class C0". The glutamine amino acid residue is found in multiple mammalian species, which suggests that this missense change does not adversely affect protein function. ClinVar contains an entry for this variant (Variation ID: 651244). This variant has not been reported in the literature in individuals affected with ALAD-related conditions. This sequence change replaces arginine, which is basic and polar, with glutamine, which is neutral and polar, at codon 142 of the ALAD protein (p.Arg142Gln).

Ambry Genetics
Classification: Likely benign for Inborn genetic diseases. Last evaluated: 2021-07-13. Review status: criteria provided, single submitter. Criteria: Ambry Variant Classification Scheme 2023. Collection method: clinical testing. Allele origin: germline.

NM_000031.6(ALAD):c.425G>A (p.Arg142Gln)

Gene: ALAD (aminolevulinate dehydratase; minus strand). Cytogenetic location: 9q32.
Variant type: single nucleotide variant.
Coding change: c.425G>A on transcript NM_000031.6 (MANE Select); coding-DNA position 425, G replaced by A.
Protein change: p.Arg142Gln; replaces arginine 142 with glutamine.
Molecular consequence: missense variant.
Genome position (GRCh38, 1-based): chr9:113,390,649, C>T on the plus strand (G>A on the coding strand, the complement: ALAD is on the minus strand). VCF-style: chr9-113390649-C-T. GRCh37 (hg19) VCF-style: chr9-116152929-C-T.
Other names: c.512G>A, p.Arg171Gln (NM_001003945.3); c.401G>A, p.Arg134Gln (NM_001317745.2); short protein forms R142Q, R134Q, R171Q.
Identifiers: ClinVar variation 651244 (VCV000651244.7), dbSNP rs202213170, ClinGen allele CA5196492.
Genomic context (GRCh38, chr9:113,390,649, plus strand): 5'-TCACCTGCCTTGGCATACGCCAATGCCACCTCAGCCAGCCGCTGGCGGCTCTCCTCAGCC[C>T]GGAATGCTCCGTTTTCACTCAGGAGCCCTTCAGGACAGATGACTGGGTTTTGGGGAGCAC-3'
Protein context (NP_000022.3, residues 132-152): CGLLSENGAF[Arg142Gln]AEESRQRLAE